The following is an entry in ClinVar:

ClinVar aggregate classification (germline): Uncertain significance (1 of 4 stars; one submission).

Conditions:
Autoimmune interstitial lung disease-arthritis syndrome. Also called: Autoinflammation and autoimmunity, systemic, with immune dysregulation. Identifiers: Orphanet 444092, MedGen C5975714, MONDO:0014629.

Submission:

Labcorp Genetics (formerly Invitae), Labcorp
Classification: Uncertain significance for Autoimmune interstitial lung disease-arthritis syndrome. Last evaluated: 2024-10-17. Review status: criteria provided, single submitter. Criteria: Invitae Variant Classification Sherloc (09022015). Collection method: clinical testing. Allele origin: germline.
Comment: This sequence change replaces histidine, which is basic and polar, with leucine, which is neutral and non-polar, at codon 732 of the COPA protein (p.His732Leu). This variant is not present in population databases (gnomAD no frequency). This variant has not been reported in the literature in individuals affected with COPA-related conditions. Invitae Evidence Modeling of protein sequence and biophysical properties (such as structural, functional, and spatial information, amino acid conservation, physicochemical variation, residue mobility, and thermodynamic stability) indicates that this missense variant is not expected to disrupt COPA protein function with a negative predictive value of 80%. In summary, the available evidence is currently insufficient to determine the role of this variant in disease. Therefore, it has been classified as a Variant of Uncertain Significance.

NM_004371.4(COPA):c.2195A>T (p.His732Leu)

Gene: COPA (coat protein complex I subunit alpha; minus strand). Cytogenetic location: 1q23.2.
Variant type: single nucleotide variant.
Coding change: c.2195A>T on transcript NM_004371.4 (MANE Select); coding-DNA position 2195, A replaced by T.
Protein change: p.His732Leu; replaces histidine 732 with leucine.
Molecular consequence: missense variant.
Genome position (GRCh38, 1-based): chr1:160,297,411, T>A on the plus strand (A>T on the coding strand, the complement: COPA is on the minus strand). VCF-style: chr1-160297411-T-A. GRCh37 (hg19) VCF-style: chr1-160267201-T-A.
Other names: c.2222A>T, p.His741Leu (NM_001098398.2); short protein forms H732L, H741L.
Identifiers: ClinVar variation 3703291 (VCV003703291.2).